The following is an entry in ClinVar:

ClinVar aggregate classification (germline): Uncertain significance. Review status: criteria provided, multiple submitters, no conflicts (2 of 4 stars). 2 submissions from 2 submitters: Uncertain significance (2). Last evaluated 2022-11-10.

Conditions:
Familial episodic pain syndrome with predominantly lower limb involvement. Also called: Episodic pain syndrome, familial, 3. Identifiers: Orphanet 391384, Orphanet 391392, MedGen C3809899, MONDO:0014247, OMIM 615552.
Hereditary sensory and autonomic neuropathy type 7. Also called: HSAN VII; Neuropathy, hereditary sensory and autonomic, type VII. Identifiers: Orphanet 391397, MedGen C3809882, MONDO:0014244, OMIM 615548.

Allele frequency attached by ClinVar (database versions not stated): gnomAD exomes below 0.00001; ExAC 0.00001; TOPMed 0.00001; gnomAD 0.00002; 1000 Genomes Project 30x 0.00016; 1000 Genomes Project 0.00020.
gnomAD v4.1: 6 of 1,607,830 alleles (0.00037%); highest among the groups gnomAD compares: Admixed American, 0.0017%; no homozygotes.

Submissions (2):

Labcorp Genetics (formerly Invitae), Labcorp
Classification: Uncertain significance for Familial episodic pain syndrome with predominantly lower limb involvement; Hereditary sensory and autonomic neuropathy type 7. Last evaluated: 2022-11-10. Review status: criteria provided, single submitter. Criteria: Invitae Variant Classification Sherloc (09022015). Collection method: clinical testing. Allele origin: germline.
Comment: In summary, the available evidence is currently insufficient to determine the role of this variant in disease. Therefore, it has been classified as a Variant of Uncertain Significance. Algorithms developed to predict the effect of sequence changes on RNA splicing suggest that this variant may disrupt the consensus splice site. This variant has not been reported in the literature in individuals affected with SCN11A-related conditions. This variant is present in population databases (rs559628396, gnomAD 0.0009%). This sequence change affects an acceptor splice site in intron 7 of the SCN11A gene. It is expected to disrupt RNA splicing. Variants that disrupt the donor or acceptor splice site typically lead to a loss of protein function (PMID: 16199547), however the current clinical and genetic evidence is not sufficient to establish whether loss-of-function variants in SCN11A cause disease.

CeGaT Center for Human Genetics Tuebingen
Classification: Uncertain significance. Last evaluated: 2022-06-01. Review status: criteria provided, single submitter. Criteria: CeGaT Center For Human Genetics Tuebingen Variant Classification Criteria Version 2. Collection method: clinical testing. Allele origin: germline. Affected: yes. Observed: 1 variant allele.
Comment: SCN11A: PM2, PVS1:Moderate

Literature cited by the submitters: PubMed 16199547 (cited by Labcorp Genetics (formerly Invitae), Labcorp).

NM_001349253.2(SCN11A):c.960-2A>G

Gene: SCN11A (sodium voltage-gated channel alpha subunit 11; minus strand). Cytogenetic location: 3p22.2.
Variant type: single nucleotide variant.
Coding change: c.960-2A>G on transcript NM_001349253.2 (MANE Select); the canonical splice acceptor site of the intron before coding-DNA position 960, A replaced by G.
Molecular consequence: splice acceptor variant.
Genome position (GRCh38, 1-based): chr3:38,910,209, T>C on the plus strand (A>G on the coding strand, the complement: SCN11A is on the minus strand). VCF-style: chr3-38910209-T-C. GRCh37 (hg19) VCF-style: chr3-38951700-T-C.
Other names: c.960-2A>G (NM_014139.3).
Identifiers: ClinVar variation 2653681 (VCV002653681.27), dbSNP rs559628396, ClinGen allele CA2322430.